The following is an entry in ClinVar:

ClinVar aggregate classification (germline): Uncertain significance. Review status: criteria provided, multiple submitters, no conflicts (2 of 4 stars). 2 submissions from 2 submitters: Uncertain significance (2). Last evaluated 2023-10-17.

Conditions:
Hereditary cancer-predisposing syndrome. Also called: Tumor predisposition; Neoplastic Syndromes, Hereditary; Hereditary Cancer Syndrome; Hereditary neoplastic syndrome. Identifiers: Orphanet 140162, MedGen C0027672, MeSH D009386, MONDO:0015356.

Allele frequency attached by ClinVar (database versions not stated): gnomAD 0.00001.
gnomAD v4.1: 1 of 1,613,830 alleles (0.000062%); highest among the groups gnomAD compares: Admixed American, 0.0017%; no homozygotes.

Submissions (2):

Labcorp Genetics (formerly Invitae), Labcorp
Classification: Uncertain significance. Last evaluated: 2023-10-17. Review status: criteria provided, single submitter. Criteria: Invitae Variant Classification Sherloc (09022015). Collection method: clinical testing. Allele origin: germline.
Comment: This sequence change replaces glutamic acid, which is acidic and polar, with aspartic acid, which is acidic and polar, at codon 1036 of the MSH3 protein (p.Glu1036Asp). The frequency data for this variant in the population databases is considered unreliable, as metrics indicate poor data quality at this position in the gnomAD database. This variant has not been reported in the literature in individuals affected with MSH3-related conditions. ClinVar contains an entry for this variant (Variation ID: 1727714). An algorithm developed to predict the effect of missense changes on protein structure and function (PolyPhen-2) suggests that this variant is likely to be tolerated. In summary, the available evidence is currently insufficient to determine the role of this variant in disease. Therefore, it has been classified as a Variant of Uncertain Significance.

Ambry Genetics
Classification: Uncertain significance for Hereditary cancer-predisposing syndrome. Last evaluated: 2023-07-23. Review status: criteria provided, single submitter. Criteria: Ambry Variant Classification Scheme 2023. Collection method: clinical testing. Allele origin: germline.
Comment: The p.E1036D variant (also known as c.3108G>C), located in coding exon 22 of the MSH3 gene, results from a G to C substitution at nucleotide position 3108. The glutamic acid at codon 1036 is replaced by aspartic acid, an amino acid with highly similar properties. This amino acid position is well conserved in available vertebrate species. In addition, this alteration is predicted to be tolerated by in silico analysis. Since supporting evidence is limited at this time, the clinical significance of this alteration remains unclear.

NM_002439.5(MSH3):c.3108G>C (p.Glu1036Asp)

Gene: MSH3 (mutS homolog 3; plus strand). Cytogenetic location: 5q14.1.
Variant type: single nucleotide variant.
Coding change: c.3108G>C on transcript NM_002439.5 (MANE Select); coding-DNA position 3108, G replaced by C.
Protein change: p.Glu1036Asp; replaces glutamic acid 1036 with aspartic acid.
Molecular consequence: missense variant.
Genome position (GRCh38, 1-based): chr5:80,864,920, G>C. VCF-style: chr5-80864920-G-C. GRCh37 (hg19) VCF-style: chr5-80160739-G-C.
Other names: short protein forms E1036D.
Identifiers: ClinVar variation 1727714 (VCV001727714.6), dbSNP rs1478748983, ClinGen allele CA360346427.